The following is an entry in ClinVar:

NM_014112.5(TRPS1):c.323G>A (p.Gly108Glu)

Gene: TRPS1 (transcriptional repressor GATA binding 1; minus strand). Cytogenetic location: 8q23.3.
Variant type: single nucleotide variant.
Coding change: c.323G>A on transcript NM_014112.5 (MANE Select); coding-DNA position 323, G replaced by A.
Protein change: p.Gly108Glu; replaces glycine 108 with glutamic acid.
Molecular consequence: missense variant.
Genome position (GRCh38, 1-based): chr8:115,619,775, C>T on the plus strand (G>A on the coding strand, the complement: TRPS1 is on the minus strand). VCF-style: chr8-115619775-C-T. GRCh37 (hg19) VCF-style: chr8-116632002-C-T.
Other names: c.296G>A, p.Gly99Glu (NM_001282902.3); c.302G>A, p.Gly101Glu (NM_001282903.3); c.284G>A, p.Gly95Glu (NM_001330599.2); short protein forms G99E, G108E, G101E, G95E.
Identifiers: ClinVar variation 1461440 (VCV001461440.6), dbSNP rs1206269604, ClinGen allele CA372069877.
Genomic context (GRCh38, chr8:115,619,775, plus strand): 5'-GATGAGAAAGCCAACATATTTCTGTCTGTCACCTCATCATGCGGAAAGGAGGGAAAGTTT[C>T]CTCCCTTACTGGGGCTTTCATAATTGAAGCCAGCCTTCTCACTCAGAACTGCGCTTTTCA-3'
Protein context (NP_054831.2, residues 98-118): GFNYESPSKG[Gly108Glu]NFPSFPHDEV

ClinVar aggregate classification (germline): Uncertain significance (1 of 4 stars; one submission).

Conditions:
Trichorhinophalangeal syndrome, type III (TRPS3). Also called: SUGIO-KAJII SYNDROME. Identifiers: Orphanet 77258, MedGen C1860823, OMIM 190351, MONDO:0008597.
Trichorhinophalangeal dysplasia type I (TRPS1). Also called: TRPS I; TRICHORHINOPHALANGEAL SYNDROME, TYPE I. Identifiers: Orphanet 77258, MedGen C0432233, MONDO:0008596, OMIM 190350.

Allele frequency attached by ClinVar (database versions not stated): gnomAD exomes below 0.00001.

Submission:

Labcorp Genetics (formerly Invitae), Labcorp
Classification: Uncertain significance for Trichorhinophalangeal syndrome, type III; Trichorhinophalangeal dysplasia type I. Last evaluated: 2022-12-02. Review status: criteria provided, single submitter. Criteria: Invitae Variant Classification Sherloc (09022015). Collection method: clinical testing. Allele origin: germline.
Comment: In summary, the available evidence is currently insufficient to determine the role of this variant in disease. Therefore, it has been classified as a Variant of Uncertain Significance. Advanced modeling of protein sequence and biophysical properties (such as structural, functional, and spatial information, amino acid conservation, physicochemical variation, residue mobility, and thermodynamic stability) performed at Invitae indicates that this missense variant is not expected to disrupt TRPS1 protein function. ClinVar contains an entry for this variant (Variation ID: 1461440). This variant has not been reported in the literature in individuals affected with TRPS1-related conditions. This variant is present in population databases (no rsID available, gnomAD 0.006%). This sequence change replaces glycine, which is neutral and non-polar, with glutamic acid, which is acidic and polar, at codon 108 of the TRPS1 protein (p.Gly108Glu).